The following is an entry in ClinVar:

NM_024529.5(CDC73):c.52A>G (p.Ile18Val)

Gene: CDC73 (cell division cycle 73; plus strand). Cytogenetic location: 1q31.2.
Variant type: single nucleotide variant.
Coding change: c.52A>G on transcript NM_024529.5 (MANE Select); coding-DNA position 52, A replaced by G.
Protein change: p.Ile18Val; replaces isoleucine 18 with valine.
Molecular consequence: missense variant.
Genome position (GRCh38, 1-based): chr1:193,122,252, A>G. VCF-style: chr1-193122252-A-G. GRCh37 (hg19) VCF-style: chr1-193091382-A-G.
Other names: short protein forms I18V.
Identifiers: ClinVar variation 2024534 (VCV002024534.4), dbSNP rs2527281003, ClinGen allele CA343972836.

ClinVar aggregate classification (germline): Uncertain significance (1 of 4 stars; one submission).

Conditions:
Parathyroid carcinoma (PRTC). Also called: CDC73-Related Parathyroid Carcinoma; Parathyroid gland carcinoma. Identifiers: Orphanet 143, MedGen C0687150, MONDO:0012004, OMIM 608266, HP:0006780.

Submission:

Labcorp Genetics (formerly Invitae), Labcorp
Classification: Uncertain significance for Parathyroid carcinoma. Last evaluated: 2021-12-02. Review status: criteria provided, single submitter. Criteria: Invitae Variant Classification Sherloc (09022015). Collection method: clinical testing. Allele origin: germline.
Comment: This sequence change replaces isoleucine, which is neutral and non-polar, with valine, which is neutral and non-polar, at codon 18 of the CDC73 protein (p.Ile18Val). This variant is not present in population databases (gnomAD no frequency). This variant has not been reported in the literature in individuals affected with CDC73-related conditions. Algorithms developed to predict the effect of missense changes on protein structure and function (SIFT, PolyPhen-2, Align-GVGD) all suggest that this variant is likely to be tolerated. In summary, the available evidence is currently insufficient to determine the role of this variant in disease. Therefore, it has been classified as a Variant of Uncertain Significance.